The following is an entry in ClinVar:

NM_000540.3(RYR1):c.178G>C (p.Asp60His)

Gene: RYR1 (ryanodine receptor 1; plus strand). Cytogenetic location: 19q13.2.
Variant type: single nucleotide variant.
Coding change: c.178G>C on transcript NM_000540.3 (MANE Select); coding-DNA position 178, G replaced by C.
Protein change: p.Asp60His; replaces aspartic acid 60 with histidine.
Molecular consequence: missense variant.
Genome position (GRCh38, 1-based): chr19:38,442,361, G>C. VCF-style: chr19-38442361-G-C. GRCh37 (hg19) VCF-style: chr19-38933001-G-C.
Other names: c.178G>C, p.Asp60His (NM_001042723.2); short protein forms D60H.
Identifiers: ClinVar variation 1355582 (VCV001355582.8), dbSNP rs118192160, ClinGen allele CA405673701.

ClinVar aggregate classification (germline): Uncertain significance. Review status: criteria provided, multiple submitters, no conflicts (2 of 4 stars). 2 submissions from 2 submitters: Uncertain significance (2). Last evaluated 2025-04-30.

Conditions:
RYR1-related disorder. Also called: RYR1-related condition; RYR1-related disorders. Identifiers: MedGen CN239331.

Submissions (2):

Women's Health and Genetics/Laboratory Corporation of America, LabCorp
Classification: Uncertain significance. Last evaluated: 2025-04-30. Review status: criteria provided, single submitter. Criteria: LabCorp Variant Classification Summary - May 2015. Collection method: clinical testing. Allele origin: germline.
Comment: Variant summary: RYR1 c.178G>C (p.Asp60His) results in a non-conservative amino acid change in the encoded protein sequence. Four of four in-silico tools predict a damaging effect of the variant on protein function. The variant was absent in 250960 control chromosomes (gnomAD). The available data on variant occurrences in the general population are insufficient to allow any conclusion about variant significance. To our knowledge, no occurrence of c.178G>C in individuals affected with Congenital Multicore Myopathy With External Ophthalmoplegia and no experimental evidence demonstrating its impact on protein function have been reported. ClinVar contains an entry for this variant (Variation ID: 1355582). Based on the evidence outlined above, the variant was classified as uncertain significance.

Labcorp Genetics (formerly Invitae), Labcorp
Classification: Uncertain significance for RYR1-related disorder. Last evaluated: 2021-12-22. Review status: criteria provided, single submitter. Criteria: Invitae Variant Classification Sherloc (09022015). Collection method: clinical testing. Allele origin: germline.
Comment: In summary, the available evidence is currently insufficient to determine the role of this variant in disease. Therefore, it has been classified as a Variant of Uncertain Significance. Advanced modeling of protein sequence and biophysical properties (such as structural, functional, and spatial information, amino acid conservation, physicochemical variation, residue mobility, and thermodynamic stability) performed at Invitae indicates that this missense variant is expected to disrupt RYR1 protein function. This variant has not been reported in the literature in individuals affected with RYR1-related conditions. This variant is not present in population databases (gnomAD no frequency). This sequence change replaces aspartic acid, which is acidic and polar, with histidine, which is basic and polar, at codon 60 of the RYR1 protein (p.Asp60His).